The following is an entry in ClinVar:

ClinVar aggregate classification (germline): Likely pathogenic (1 of 4 stars; one submission).

Conditions:
Bardet-Biedl syndrome (BBS). Identifiers: Orphanet 110, MedGen C0752166, MONDO:0015229.

Allele frequency attached by ClinVar (database versions not stated): TOPMed below 0.00001; gnomAD 0.00001; gnomAD exomes 0.00001; ExAC 0.00004.
gnomAD v4.1: 15 of 1,596,014 alleles (0.00094%); highest among the groups gnomAD compares: Non-Finnish European, 0.00069%; no homozygotes.

Submission:

Labcorp Genetics (formerly Invitae), Labcorp
Classification: Likely pathogenic for Bardet-Biedl syndrome. Last evaluated: 2023-01-20. Review status: criteria provided, single submitter. Criteria: Invitae Variant Classification Sherloc (09022015). Collection method: clinical testing. Allele origin: germline.
Comment: In summary, the currently available evidence indicates that the variant is pathogenic, but additional data are needed to prove that conclusively. Therefore, this variant has been classified as Likely Pathogenic. Algorithms developed to predict the effect of sequence changes on RNA splicing suggest that this variant may disrupt the consensus splice site. This variant has not been reported in the literature in individuals affected with BBS5-related conditions. This variant is present in population databases (rs769851369, gnomAD 0.009%). This sequence change affects an acceptor splice site in intron 1 of the BBS5 gene. It is expected to disrupt RNA splicing. Variants that disrupt the donor or acceptor splice site typically lead to a loss of protein function (PMID: 16199547), and loss-of-function variants in BBS5 are known to be pathogenic (PMID: 15137946, 16877420, 26325687, 27708425, 28041643, 29806606).

Literature cited by the submitters: PubMed 16199547; PubMed 15137946; PubMed 16877420; PubMed 26325687; PubMed 27708425; PubMed 28041643; PubMed 29806606.

NM_152384.3(BBS5):c.60-2A>C

Gene: BBS5 (Bardet-Biedl syndrome 5; plus strand). Cytogenetic location: 2q31.1.
Variant type: single nucleotide variant.
Coding change: c.60-2A>C on transcript NM_152384.3 (MANE Select); the canonical splice acceptor site of the intron before coding-DNA position 60, A replaced by C.
Molecular consequence: splice acceptor variant.
Genome position (GRCh38, 1-based): chr2:169,482,249, A>C. VCF-style: chr2-169482249-A-C. GRCh37 (hg19) VCF-style: chr2-170338759-A-C.
Identifiers: ClinVar variation 2884185 (VCV002884185.3), dbSNP rs769851369, ClinGen allele CA1956100.
Genomic context (GRCh38, chr2:169,482,249, plus strand): 5'-TAAATAGATTGCAAGCAGGTATAGTTGTAGCTATAAAATTCAAACCTTTATATTCACTTT[A>C]GGCAAATGAAAACAAGACCTGGAGAAGTCCTTATTGATTGTTTAGATTCCATTGAAGACA-3'